The following is an entry in ClinVar:

NM_001205293.3(CACNA1E):c.2608C>A (p.Gln870Lys)

Gene: CACNA1E (calcium voltage-gated channel subunit alpha1 E; plus strand). Cytogenetic location: 1q25.3.
Variant type: single nucleotide variant.
Coding change: c.2608C>A on transcript NM_001205293.3 (MANE Select); coding-DNA position 2608, C replaced by A.
Protein change: p.Gln870Lys; replaces glutamine 870 with lysine.
Molecular consequence: missense variant.
Genome position (GRCh38, 1-based): chr1:181,732,694, C>A. VCF-style: chr1-181732694-C-A. GRCh37 (hg19) VCF-style: chr1-181701830-C-A.
Other names: c.2608C>A, p.Gln870Lys (NM_000721.4); c.2551C>A, p.Gln851Lys (NM_001205294.2); short protein forms Q870K, Q851K.
Identifiers: ClinVar variation 1462347 (VCV001462347.9), dbSNP rs2102551312, ClinGen allele CA343618098.

ClinVar aggregate classification (germline): Conflicting classifications of pathogenicity. Review status: criteria provided, conflicting classifications (1 of 4 stars). 2 submissions from 2 submitters: Uncertain significance (1); Benign (1). Last evaluated 2026-08-01.

Submissions (2):

CeGaT Center for Human Genetics Tuebingen
Classification: Uncertain significance. Last evaluated: 2026-08-01. Review status: criteria provided, single submitter. Criteria: CeGaT Center For Human Genetics Tuebingen Variant Classification Criteria Version 2. Collection method: clinical testing. Allele origin: germline. Affected: yes. Observed: 1 variant allele.
Comment: CACNA1E: PM2

Labcorp Genetics (formerly Invitae), Labcorp
Classification: Benign. Last evaluated: 2022-07-05. Review status: criteria provided, single submitter. Criteria: Invitae Variant Classification Sherloc (09022015). Collection method: clinical testing. Allele origin: germline.